The following is an entry in ClinVar:

NM_024426.6(WT1):c.1070C>A (p.Ala357Asp)

Gene: WT1 (WT1 transcription factor; minus strand). Cytogenetic location: 11p13.
Variant type: single nucleotide variant.
Coding change: c.1070C>A on transcript NM_024426.6 (MANE Select); coding-DNA position 1070, C replaced by A.
Protein change: p.Ala357Asp; replaces alanine 357 with aspartic acid.
Molecular consequence: missense variant. On other transcripts: 5 prime UTR variant (1), non-coding transcript variant (2).
Genome position (GRCh38, 1-based): chr11:32,399,991, G>T on the plus strand (C>A on the coding strand, the complement: WT1 is on the minus strand). VCF-style: chr11-32399991-G-T. GRCh37 (hg19) VCF-style: chr11-32421537-G-T.
Other names: c.1019C>A, p.Ala340Asp (NM_000378.6, NM_001407045.1, NM_001407048.1 and 1 more transcripts); c.419C>A, p.Ala140Asp (NM_001198551.2); c.368C>A, p.Ala123Asp (NM_001198552.2); c.-119C>A (NM_001367854.1); c.1064C>A, p.Ala355Asp (NM_001407044.1); c.1070C>A, p.Ala357Asp (NM_001407046.1, NM_024424.5); c.947C>A, p.Ala316Asp (NM_001407047.1); c.896C>A, p.Ala299Asp (NM_001407050.1); and 2 more; short protein forms A335D, A355D, A123D, A316D, A357D, A103D, A299D, A140D.
Identifiers: ClinVar variation 2939398 (VCV002939398.3), dbSNP rs2132957981, ClinGen allele CA379960384.

ClinVar aggregate classification (germline): Uncertain significance (1 of 4 stars; one submission).

Conditions:
Frasier syndrome. Identifiers: Orphanet 347, MedGen C0950122, MeSH D052159, MONDO:0007635, OMIM 136680.
Drash syndrome (DDS). Also called: NEPHROPATHY, WILMS TUMOR, AND GENITAL ANOMALIES; WILMS TUMOR AND PSEUDO- OR TRUE HERMAPHRODITISM. Identifiers: Orphanet 220, MedGen C0950121, MONDO:0008682, OMIM 194080.
Wilms tumor 1 (WT1). Also called: Wilms tumor, somatic. Identifiers: Orphanet 654, MedGen CN033288, MONDO:0008679, OMIM 194070.
11p partial monosomy syndrome (WAGR). Also called: CHROMOSOME 11p13 DELETION SYNDROME; WAGR syndrome; WAGR Complex; WAGR Spectrum Disorder. Identifiers: Orphanet 893, MedGen C0206115, MONDO:0008681, OMIM 194072.

Allele frequency attached by ClinVar (database versions not stated): gnomAD exomes below 0.00001.
gnomAD v4.1: 1 of 1,614,222 alleles (0.000062%); highest among the groups gnomAD compares: Non-Finnish European, 0.000085%; no homozygotes.

Submission:

Labcorp Genetics (formerly Invitae), Labcorp
Classification: Uncertain significance for Wilms tumor 1; Drash syndrome; 11p partial monosomy syndrome; Frasier syndrome. Last evaluated: 2023-06-28. Review status: criteria provided, single submitter. Criteria: Invitae Variant Classification Sherloc (09022015). Collection method: clinical testing. Allele origin: germline.
Comment: In summary, the available evidence is currently insufficient to determine the role of this variant in disease. Therefore, it has been classified as a Variant of Uncertain Significance. Advanced modeling of protein sequence and biophysical properties (such as structural, functional, and spatial information, amino acid conservation, physicochemical variation, residue mobility, and thermodynamic stability) has been performed at Invitae for this missense variant, however the output from this modeling did not meet the statistical confidence thresholds required to predict the impact of this variant on WT1 protein function. This variant has not been reported in the literature in individuals affected with WT1-related conditions. This variant is not present in population databases (gnomAD no frequency). This sequence change replaces alanine, which is neutral and non-polar, with aspartic acid, which is acidic and polar, at codon 352 of the WT1 protein (p.Ala352Asp).